The following is an entry in ClinVar:

NM_003383.5(VLDLR):c.1313G>A (p.Gly438Asp)

Gene: VLDLR (very low density lipoprotein receptor; plus strand). Cytogenetic location: 9p24.2.
Variant type: single nucleotide variant.
Coding change: c.1313G>A on transcript NM_003383.5 (MANE Select); coding-DNA position 1313, G replaced by A.
Protein change: p.Gly438Asp; replaces glycine 438 with aspartic acid.
Molecular consequence: missense variant.
Genome position (GRCh38, 1-based): chr9:2,645,574, G>A. VCF-style: chr9-2645574-G-A. GRCh37 (hg19) VCF-style: chr9-2645574-G-A.
Other names: c.1313G>A, p.Gly438Asp (NM_001018056.3); c.1190G>A, p.Gly397Asp (NM_001322225.2, NM_001322226.2); short protein forms G438D, G397D.
Identifiers: ClinVar variation 130702 (VCV000130702.27), dbSNP rs200605669, ClinGen allele CA155910.

ClinVar aggregate classification (germline): Conflicting classifications of pathogenicity. Review status: criteria provided, conflicting classifications (1 of 4 stars). 7 submissions from 7 submitters: Uncertain significance (3); Likely benign (2). 2 of the submissions do not count toward it. Last evaluated 2026-01-20.

Conditions:
VLDLR-related disorder. Also called: VLDLR-related condition.
Cerebellar ataxia, impaired intellectual development, and dysequilibrium syndrome 1. Also called: CEREBELLAR ATAXIA AND MENTAL RETARDATION WITH OR WITHOUT QUADRUPEDAL LOCOMOTION 1; CEREBELLAR ATAXIA, CONGENITAL, AND MENTAL RETARDATION, AUTOSOMAL RECESSIVE; VLDLR Cerebellar Hypoplasia; Cerebellar hypoplasia and mental retardation with or without quadrupedal locomotion 1; Cerebellar ataxia, intellectual disability, and dysequilibrium syndrome 1; Cerebellar ataxia, mental retardation, and dysequilibrium syndrome 1. Identifiers: Orphanet 1766, MedGen C4551552, MONDO:0024542, OMIM 224050.

Allele frequency attached by ClinVar (database versions not stated): TOPMed 0.00033; gnomAD 0.00050 and 0.00051; 1000 Genomes Project 0.00120; 1000 Genomes Project 30x 0.00125.
gnomAD v4.1: 255 of 1,614,200 alleles (0.016%); highest among the groups gnomAD compares: Admixed American, 0.38%; 2 homozygotes.

Submissions (7):

Labcorp Genetics (formerly Invitae), Labcorp
Classification: Likely benign. Last evaluated: 2026-01-20. Review status: criteria provided, single submitter. Criteria: Invitae Variant Classification Sherloc (09022015). Collection method: clinical testing. Allele origin: germline.

Blueprint Genetics
Classification: Uncertain significance. Last evaluated: 2024-11-21. Review status: criteria provided, single submitter. Criteria: ACMG Guidelines, 2015. Collection method: clinical testing. Allele origin: germline.

GeneDx
Classification: Likely benign. Last evaluated: 2020-08-10. Review status: criteria provided, single submitter. Criteria: GeneDx Variant Classification Process June 2021. Collection method: clinical testing. Allele origin: germline. Affected: yes.

Mayo Clinic Laboratories, Mayo Clinic
Classification: Uncertain significance. Last evaluated: 2020-07-21. Review status: criteria provided, single submitter. Criteria: ACMG Guidelines, 2015. Collection method: clinical testing. Allele origin: germline. Observed: 1 variant allele.

Baylor Genetics
Classification: Uncertain significance for Cerebellar ataxia, impaired intellectual development, and dysequilibrium syndrome 1. Last evaluated: 2018-09-14. Review status: criteria provided, single submitter. Criteria: ACMG Guidelines, 2015. Collection method: clinical testing. Allele origin: maternal. Affected: yes.
Comment: This variant was determined to be of uncertain significance according to ACMG Guidelines, 2015 [PMID:25741868].

PreventionGenetics, part of Exact Sciences
Classification: Likely benign for VLDLR-related condition. Last evaluated: 2022-05-27. Review status: no assertion criteria provided. Collection method: clinical testing. Allele origin: germline. Not counted in ClinVar's aggregate classification.
Comment: This variant is classified as likely benign based on ACMG/AMP sequence variant interpretation guidelines (Richards et al. 2015 PMID: 25741868, with internal and published modifications).

Genetic Services Laboratory, University of Chicago
Classification: Likely benign for AllHighlyPenetrant. Review status: no assertion criteria provided. Collection method: clinical testing. Allele origin: germline. Inheritance: Autosomal recessive inheritance. Not counted in ClinVar's aggregate classification.
Comment: Likely benign based on allele frequency in 1000 Genomes Project or ESP global frequency and its presence in a patient with a rare or unrelated disease phenotype. NOT Sanger confirmed.